The following is an entry in ClinVar:

NM_000053.4(ATP7B):c.1192A>G (p.Thr398Ala)

Gene: ATP7B (ATPase copper transporting beta; minus strand). Cytogenetic location: 13q14.3.
Variant type: single nucleotide variant.
Coding change: c.1192A>G on transcript NM_000053.4 (MANE Select); coding-DNA position 1192, A replaced by G.
Protein change: p.Thr398Ala; replaces threonine 398 with alanine.
Molecular consequence: missense variant.
Genome position (GRCh38, 1-based): chr13:51,974,028, T>C on the plus strand (A>G on the coding strand, the complement: ATP7B is on the minus strand). VCF-style: chr13-51974028-T-C. GRCh37 (hg19) VCF-style: chr13-52548164-T-C.
Other names: c.1192A>G (NM_000053.3); c.1192A>G, p.Thr398Ala (NM_001406519.1, NM_001406520.1, NM_001406521.1 and 29 more transcripts); c.859A>G, p.Thr287Ala (NM_001243182.2); c.1096A>G, p.Thr366Ala (NM_001406517.1, NM_001406518.1, NM_001406530.1 and 3 more transcripts); c.763A>G, p.Thr255Ala (NM_001406539.1); short protein forms T255A, T366A, T287A, T398A.
Identifiers: ClinVar variation 1948625 (VCV001948625.6), dbSNP rs2547814060, ClinGen allele CA388038474.

ClinVar aggregate classification (germline): Uncertain significance. Review status: criteria provided, multiple submitters, no conflicts (2 of 4 stars). 2 submissions from 2 submitters: Uncertain significance (2). Last evaluated 2023-03-27.

Conditions:
Wilson disease (WND). Also called: Wilson's disease. Identifiers: Orphanet 905, MedGen C0019202, MONDO:0010200, OMIM 277900. Disease mechanism: loss of function.

Submissions (2):

Women's Health and Genetics/Laboratory Corporation of America, LabCorp
Classification: Uncertain significance. Last evaluated: 2023-03-27. Review status: criteria provided, single submitter. Criteria: LabCorp Variant Classification Summary - May 2015. Collection method: clinical testing. Allele origin: germline.
Comment: Variant summary: ATP7B c.1192A>G (p.Thr398Ala) results in a non-conservative amino acid change located in the Heavy metal-associated domain (IPR006121) of the encoded protein sequence. Four of five in-silico tools predict a benign effect of the variant on protein function. The variant was absent in 249554 control chromosomes (gnomAD). The available data on variant occurrences in the general population are insufficient to allow any conclusion about variant significance. To our knowledge, no occurrence of c.1192A>G in individuals affected with Wilson Disease and no experimental evidence demonstrating its impact on protein function have been reported. One ClinVar submitter has assessed the variant since 2014: the variant was classified as of uncertain significance. Based on the evidence outlined above, the variant was classified as uncertain significance.

Labcorp Genetics (formerly Invitae), Labcorp
Classification: Uncertain significance for Wilson disease. Last evaluated: 2022-01-20. Review status: criteria provided, single submitter. Criteria: Invitae Variant Classification Sherloc (09022015). Collection method: clinical testing. Allele origin: germline.
Comment: Advanced modeling of protein sequence and biophysical properties (such as structural, functional, and spatial information, amino acid conservation, physicochemical variation, residue mobility, and thermodynamic stability) performed at Invitae indicates that this missense variant is not expected to disrupt ATP7B protein function. This variant has not been reported in the literature in individuals affected with ATP7B-related conditions. This variant is not present in population databases (gnomAD no frequency). This sequence change replaces threonine, which is neutral and polar, with alanine, which is neutral and non-polar, at codon 398 of the ATP7B protein (p.Thr398Ala). In summary, the available evidence is currently insufficient to determine the role of this variant in disease. Therefore, it has been classified as a Variant of Uncertain Significance.